The following is an entry in ClinVar:

NM_000429.3(MAT1A):c.92-9C>G

Gene: MAT1A (methionine adenosyltransferase 1A; minus strand). Cytogenetic location: 10q22.3.
Variant type: single nucleotide variant.
Coding change: c.92-9C>G on transcript NM_000429.3 (MANE Select); 9 bases into the intron before coding-DNA position 92, C replaced by G.
Molecular consequence: intron variant.
Genome position (GRCh38, 1-based): chr10:80,285,598, G>C on the plus strand (C>G on the coding strand, the complement: MAT1A is on the minus strand). VCF-style: chr10-80285598-G-C. GRCh37 (hg19) VCF-style: chr10-82045354-G-C.
Identifiers: ClinVar variation 256108 (VCV000256108.18), dbSNP rs10887721, ClinGen allele CA5576890.
Genomic context (GRCh38, chr10:80,285,598, plus strand): 5'-TGCTTGAGATGGGCATCCAGCACTGCATCACTGATCTGGTCACAGATCTTATCTGGACAA[G>C]AGCAAATATGGGTCAGAATCACAAAAATATTCGGGATAACAAATTGAAATCTTAAAATAA-3'

ClinVar aggregate classification (germline): Benign. Review status: criteria provided, multiple submitters, no conflicts (2 of 4 stars). 5 submissions from 5 submitters: Benign (5). Last evaluated 2026-02-02.

Conditions:
Hepatic methionine adenosyltransferase deficiency. Also called: MAT I/III DEFICIENCY; Isolated Persistent Hypermethioninemia; Deficiency of methionine adenosyltransferase; Methionine adenosyltransferase deficiency. Identifiers: Orphanet 168598, MedGen C0268621, MeSH C564683, MONDO:0009607, OMIM 250850.

Allele frequency attached by ClinVar (database versions not stated): 1000 Genomes Project 30x 0.20019; gnomAD 0.22736 and 0.21699; TOPMed 0.22943; ExAC 0.14670; 1000 Genomes Project 0.19089; gnomAD exomes 0.13832; ESP Exome Variant Server 0.24727.
gnomAD v4.1: 236,101 of 1,587,578 alleles (15%); highest among the groups gnomAD compares: African/African-American, 45%; 22,191 homozygotes.

Submissions (9):

Labcorp Genetics (formerly Invitae), Labcorp
Classification: Benign for Hepatic methionine adenosyltransferase deficiency. Last evaluated: 2026-02-02. Review status: criteria provided, single submitter. Criteria: Invitae Variant Classification Sherloc (09022015). Collection method: clinical testing. Allele origin: germline.

Illumina Laboratory Services, Illumina
Classification: Benign for Hepatic methionine adenosyltransferase deficiency. Last evaluated: 2018-01-13. Review status: criteria provided, single submitter. Criteria: ICSL Variant Classification Criteria 13 December 2019. Collection method: clinical testing. Allele origin: germline.
Comment: This variant was observed in the ICSL laboratory as part of a predisposition screen in an ostensibly healthy population. It had not been previously curated by ICSL or reported in the Human Gene Mutation Database (HGMD: prior to June 1st, 2018), and was therefore a candidate for classification through an automated scoring system. Utilizing variant allele frequency, disease prevalence and penetrance estimates, and inheritance mode, an automated score was calculated to assess if this variant is too frequent to cause the disease. Based on the score and internal cut-off values, a variant classified as benign is not then subjected to further curation. The score for this variant resulted in a classification of benign for this disease.

GeneDx
Classification: Benign. Last evaluated: 2015-03-03. Review status: criteria provided, single submitter. Criteria: GeneDx Variant Classification Process June 2021. Collection method: clinical testing. Allele origin: germline. Affected: yes.

Breakthrough Genomics
Classification: Benign. Review status: criteria provided, single submitter. Criteria: ACMG Guidelines, 2015. Collection method: not provided. Allele origin: germline. Inheritance: Autosomal dominant inheritance. Affected: yes.

PreventionGenetics, part of Exact Sciences
Classification: Benign. Review status: criteria provided, single submitter. Criteria: ACMG Guidelines, 2015. Collection method: clinical testing. Allele origin: germline.

Dr. Peter K. Rogan Lab, Western University
No classification provided (evidence only). Condition: Cholangiocarcinoma. Review status: no classification provided. Collection method: in vitro. Allele origin: not applicable. Functional consequence: retained intron. Not counted in ClinVar's aggregate classification.

Dr. Peter K. Rogan Lab, Western University
No classification provided (evidence only). Condition: Uterine carcinosarcoma. Review status: no classification provided. Collection method: in vitro. Allele origin: not applicable. Functional consequence: retained intron. Not counted in ClinVar's aggregate classification.

Dr. Peter K. Rogan Lab, Western University
No classification provided (evidence only). Condition: Uveal melanoma. Review status: no classification provided. Collection method: in vitro. Allele origin: not applicable. Functional consequence: retained intron. Not counted in ClinVar's aggregate classification.

Dr. Peter K. Rogan Lab, Western University
No classification provided (evidence only). Condition: Uveal melanoma. Review status: no classification provided. Collection method: in vitro. Allele origin: not applicable. Functional consequence: retained intron. Not counted in ClinVar's aggregate classification.